The following is an entry in ClinVar:

ClinVar aggregate classification (germline): Conflicting classifications of pathogenicity. Review status: criteria provided, conflicting classifications (1 of 4 stars). 6 submissions from 6 submitters: Uncertain significance (5); Benign (1). Last evaluated 2025-11-22.

Conditions:
Malignant tumor of urinary bladder. Also called: Urinary bladder cancer; Bladder cancer; Urinary Bladder Neoplasms. Identifiers: MedGen C0005684, MONDO:0001187, OMIM 109800.
Retinoblastoma (RB1). Also called: RETINOBLASTOMA, SOMATIC. Identifiers: Orphanet 790, MedGen C0035335, MeSH D012175, MONDO:0008380, OMIM 180200, HP:0009919. Disease mechanism: loss of function. Inheritance: Both sporadic and heritable forms are tested..
Hereditary cancer-predisposing syndrome. Also called: Hereditary neoplastic syndrome; Tumor predisposition; Neoplastic Syndromes, Hereditary; Hereditary Cancer Syndrome. Identifiers: Orphanet 140162, MedGen C0027672, MeSH D009386, MONDO:0015356.

Allele frequency attached by ClinVar (database versions not stated): TOPMed 0.00006.
gnomAD v4.1: 11 of 1,386,580 alleles (0.00079%); highest among the groups gnomAD compares: African/African-American, 0.015%; no homozygotes.

Submissions (6):

Labcorp Genetics (formerly Invitae), Labcorp
Classification: Benign for Retinoblastoma. Last evaluated: 2025-11-22. Review status: criteria provided, single submitter. Criteria: Invitae Variant Classification Sherloc (09022015). Collection method: clinical testing. Allele origin: germline.

All of Us Research Program, National Institutes of Health
Classification: Uncertain significance for Retinoblastoma. Last evaluated: 2024-09-27. Review status: criteria provided, single submitter. Criteria: ACMG Guidelines, 2015. Collection method: clinical testing. Allele origin: germline. Inheritance: Autosomal dominant inheritance. Observed: 5 variant alleles, 5 heterozygotes.
Comment: This missense variant replaces isoleucine with methionine at codon 470 of the RB1 protein. Computational prediction suggests that this variant may not impact protein structure and function (internally defined REVEL score threshold <= 0.5, PMID: 27666373). To our knowledge, functional studies have not been reported for this variant. This variant has not been reported in individuals affected with RB1-related disorders in the literature. This variant has been identified in 2/163858 chromosomes in the general population by the Genome Aggregation Database (gnomAD). The available evidence is insufficient to determine the role of this variant in disease conclusively. Therefore, this variant is classified as a Variant of Uncertain Significance.

This study involves interpretation of variants in research participants for the purpose of population health screening. Participant phenotype was not available at the time of variant classification. Additional details can be found in publication PMID: 35346344, PMCID: PMC8962531

Ambry Genetics
Classification: Uncertain significance for Hereditary cancer-predisposing syndrome. Last evaluated: 2024-03-15. Review status: criteria provided, single submitter. Criteria: Ambry Variant Classification Scheme 2023. Collection method: clinical testing. Allele origin: germline.
Comment: The p.I470M variant (also known as c.1410T>G), located in coding exon 15 of the RB1 gene, results from a T to G substitution at nucleotide position 1410. The isoleucine at codon 470 is replaced by methionine, an amino acid with highly similar properties. Although this particular variant has not been reported in the literature, a different amino acid change at this same position (p.Ile470Phe) has been reported in two Chinese patients with unilateral retinoblastoma (Li T et al. Int J Clin Exp Pathol 2016;9(2):2120-2126). This amino acid position is not well conserved in available vertebrate species. In addition, this alteration is predicted to be tolerated by in silico analysis. Since supporting evidence is limited at this time, the clinical significance of this alteration remains unclear.

Color Diagnostics, LLC DBA Color Health
Classification: Uncertain significance for Retinoblastoma. Last evaluated: 2024-03-06. Review status: criteria provided, single submitter. Criteria: ACMG Guidelines, 2015. Collection method: clinical testing. Allele origin: germline.
Comment: This missense variant replaces isoleucine with methionine at codon 470 of the RB1 protein. Computational prediction suggests that this variant may not impact protein structure and function. To our knowledge, functional studies have not been reported for this variant. This variant has not been reported in individuals affected with RB1-related disorders in the literature. This variant has been identified in 2/163858 chromosomes in the general population by the Genome Aggregation Database (gnomAD). The available evidence is insufficient to determine the role of this variant in disease conclusively. Therefore, this variant is classified as a Variant of Uncertain Significance.

Baylor Genetics
Classification: Uncertain significance for Malignant tumor of urinary bladder. Last evaluated: 2023-07-28. Review status: criteria provided, single submitter. Criteria: ACMG Guidelines, 2015. Collection method: clinical testing. Allele origin: unknown.

Sema4
Classification: Uncertain significance for Hereditary cancer-predisposing syndrome. Last evaluated: 2021-05-20. Review status: criteria provided, single submitter. Criteria: Sema4 Curation Guidelines. Collection method: curation. Allele origin: germline.
Comment: The RB1 c.1410T>G (p.I470M) variant has not been reported in the literature to our knowledge. This variant was observed in 2/16708 chromosomes in the African/African American subpopulation according to the Genome Aggregation Database (PMID: 32461654). This variant has been reported in ClinVar (Variation ID: 656539). In silico tools suggest the impact of the variant on protein function is inconclusive, though these predictions have not been confirmed by functional studies. The overall evidence is insufficient to meet ACMG/AMP criteria for classifying it as benign or pathogenic. In summary, the clinical significance of this variant is currently uncertain.

NM_000321.3(RB1):c.1410T>G (p.Ile470Met)

Gene: RB1 (RB transcriptional corepressor 1; plus strand). Cytogenetic location: 13q14.2.
Variant type: single nucleotide variant.
Coding change: c.1410T>G on transcript NM_000321.3 (MANE Select); coding-DNA position 1410, T replaced by G.
Protein change: p.Ile470Met; replaces isoleucine 470 with methionine.
Molecular consequence: missense variant.
Genome position (GRCh38, 1-based): chr13:48,380,073, T>G. VCF-style: chr13-48380073-T-G. GRCh37 (hg19) VCF-style: chr13-48954209-T-G.
Other names: short protein forms I470M.
Identifiers: ClinVar variation 656539 (VCV000656539.18), dbSNP rs578226820, ClinGen allele CA249281342.